The following is an entry in ClinVar:

NM_003764.4(STX11):c.692T>C (p.Met231Thr)

Gene: STX11 (syntaxin 11; plus strand). Cytogenetic location: 6q24.2.
Variant type: single nucleotide variant.
Coding change: c.692T>C on transcript NM_003764.4 (MANE Select); coding-DNA position 692, T replaced by C.
Protein change: p.Met231Thr; replaces methionine 231 with threonine.
Molecular consequence: missense variant.
Genome position (GRCh38, 1-based): chr6:144,187,319, T>C. VCF-style: chr6-144187319-T-C. GRCh37 (hg19) VCF-style: chr6-144508456-T-C.
Other names: short protein forms M231T.
Identifiers: ClinVar variation 858408 (VCV000858408.7), dbSNP rs1802083833, ClinGen allele CA365949794.
Genomic context (GRCh38, chr6:144,187,319, plus strand): 5'-ACCGCGAACTGCTGCGCCTGGAGAGCCGCATCCGCGACGTACACGAGCTCTTCTTGCAGA[T>C]GGCGGTGCTGGTGGAGAAGCAGGCCGACACCCTGAACGTCATCGAGCTCAACGTACAAAA-3'
Protein context (NP_003755.2, residues 221-241): IRDVHELFLQ[Met231Thr]AVLVEKQADT

ClinVar aggregate classification (germline): Uncertain significance (1 of 4 stars; one submission).

Conditions:
Familial hemophagocytic lymphohistiocytosis 4 (FHL4). Also called: STX11-Related Familial Hemophagocytic Lymphohistiocytosis (STX11-fHLH). Identifiers: Orphanet 540, MedGen C1863728, MONDO:0011336, OMIM 603552.

Submission:

Labcorp Genetics (formerly Invitae), Labcorp
Classification: Uncertain significance for Familial hemophagocytic lymphohistiocytosis 4. Last evaluated: 2022-08-23. Review status: criteria provided, single submitter. Criteria: Invitae Variant Classification Sherloc (09022015). Collection method: clinical testing. Allele origin: germline.
Comment: This sequence change replaces methionine, which is neutral and non-polar, with threonine, which is neutral and polar, at codon 231 of the STX11 protein (p.Met231Thr). This variant is not present in population databases (gnomAD no frequency). This variant has not been reported in the literature in individuals affected with STX11-related conditions. ClinVar contains an entry for this variant (Variation ID: 858408). Algorithms developed to predict the effect of missense changes on protein structure and function output the following: SIFT: "Deleterious"; PolyPhen-2: "Benign"; Align-GVGD: "Class C25". The threonine amino acid residue is found in multiple mammalian species, which suggests that this missense change does not adversely affect protein function. In summary, the available evidence is currently insufficient to determine the role of this variant in disease. Therefore, it has been classified as a Variant of Uncertain Significance.